The following is an entry in ClinVar:

NM_001606.5(ABCA2):c.1193C>A (p.Thr398Lys)

Gene: ABCA2 (ATP binding cassette subfamily A member 2; minus strand). Cytogenetic location: 9q34.3.
Variant type: single nucleotide variant.
Coding change: c.1193C>A on transcript NM_001606.5 (MANE Select); coding-DNA position 1193, C replaced by A.
Protein change: p.Thr398Lys; replaces threonine 398 with lysine.
Molecular consequence: missense variant.
Genome position (GRCh38, 1-based): chr9:137,020,766, G>T on the plus strand (C>A on the coding strand, the complement: ABCA2 is on the minus strand). VCF-style: chr9-137020766-G-T. GRCh37 (hg19) VCF-style: chr9-139915218-G-T.
Other names: c.1283C>A, p.Thr428Lys (NM_212533.3); short protein forms T398K, T428K.
Identifiers: ClinVar variation 522833 (VCV000522833.33), dbSNP rs143473036, ClinGen allele CA5355565.
Genomic context (GRCh38, chr9:137,020,766, plus strand): 5'-CACAAGATGGGCTGCAGGCCGGCCCAGAGCTGTACGAAGGCTGAGCACTGGCCCTGCAGC[G>T]TGTCCGGGGTGGCCAGTGCTGCAGCAGAGGGTGCGCCCTCCTCAGCGGTGGCGTTGGGGC-3'
Protein context (NP_001597.2, residues 388-408): PSAAALATPD[Thr398Lys]LQGQCSAFVQ

ClinVar aggregate classification (germline): Conflicting classifications of pathogenicity. Review status: criteria provided, conflicting classifications (1 of 4 stars). 5 submissions from 5 submitters: Uncertain significance (1); Likely benign (3). 1 of the submissions does not count toward it. Last evaluated 2024-11-23.

Conditions:
ABCA2-related disorder. Also called: ABCA2-related condition.

Allele frequency attached by ClinVar (database versions not stated): TOPMed 0.00148; 1000 Genomes Project 0.00160; 1000 Genomes Project 30x 0.00187; ESP Exome Variant Server 0.00230.
gnomAD v4.1: 4,107 of 1,596,662 alleles (0.26%); highest among the groups gnomAD compares: Non-Finnish European, 0.32%; 10 homozygotes.

Submissions (5):

Blueprint Genetics
Classification: Likely benign. Last evaluated: 2024-11-23. Review status: criteria provided, single submitter. Criteria: ACMG Guidelines, 2015. Collection method: clinical testing. Allele origin: germline.

CeGaT Center for Human Genetics Tuebingen
Classification: Likely benign. Last evaluated: 2022-11-01. Review status: criteria provided, single submitter. Criteria: CeGaT Center For Human Genetics Tuebingen Variant Classification Criteria Version 2. Collection method: clinical testing. Allele origin: germline. Affected: yes. Observed: 1 variant allele.
Comment: ABCA2: PP2, BS2

Labcorp Genetics (formerly Invitae), Labcorp
Classification: Likely benign. Last evaluated: 2019-12-31. Review status: criteria provided, single submitter. Criteria: Invitae Variant Classification Sherloc (09022015). Collection method: clinical testing. Allele origin: germline.

Undiagnosed Diseases Network, NIH
Classification: Uncertain significance for ABCA2-related condition. Last evaluated: 2017-11-08. Review status: criteria provided, single submitter. Criteria: ACMG Guidelines, 2015. Collection method: clinical testing. Allele origin: paternal. Inheritance: Autosomal recessive inheritance. Affected: yes. Observed: 1 variant allele, 1 compound heterozygote.

PreventionGenetics, part of Exact Sciences
Classification: Likely benign for ABCA2-related condition. Last evaluated: 2022-12-01. Review status: no assertion criteria provided. Collection method: clinical testing. Allele origin: germline. Not counted in ClinVar's aggregate classification.
Comment: This variant is classified as likely benign based on ACMG/AMP sequence variant interpretation guidelines (Richards et al. 2015 PMID: 25741868, with internal and published modifications).